The following is an entry in ClinVar:

NM_006939.4(SOS2):c.3968C>T (p.Pro1323Leu)

Gene: SOS2 (SOS Ras/Rho guanine nucleotide exchange factor 2; minus strand). Cytogenetic location: 14q21.3.
Variant type: single nucleotide variant.
Coding change: c.3968C>T on transcript NM_006939.4 (MANE Select); coding-DNA position 3968, C replaced by T.
Protein change: p.Pro1323Leu; replaces proline 1323 with leucine.
Molecular consequence: missense variant.
Genome position (GRCh38, 1-based): chr14:50,118,375, G>A on the plus strand (C>T on the coding strand, the complement: SOS2 is on the minus strand). VCF-style: chr14-50118375-G-A. GRCh37 (hg19) VCF-style: chr14-50585093-G-A.
Other names: short protein forms P1323L.
Identifiers: ClinVar variation 280784 (VCV000280784.10), dbSNP rs886041929, ClinGen allele CA10603238.
Genomic context (GRCh38, chr14:50,118,375, plus strand): 5'-CCAGTGTCAATGACTACATATGGCTAAGGTCATTGGGGAGTTTCTGCATTTTCTAGCAAA[G>A]GCAGTCTGTACAATGGGGGGTGCGAAAGCTCCCGTTTGTAAGTCTTTGGTGGCAGTTTTG-3'
Protein context (NP_008870.2, residues 1313-1332): ELSHPPLYRL[Pro1323Leu]LLENAETPQ

ClinVar aggregate classification (germline): Uncertain significance. Review status: criteria provided, multiple submitters, no conflicts (2 of 4 stars). 5 submissions from 5 submitters: Uncertain significance (5). Last evaluated 2024-04-13.

Conditions:
Cardiovascular phenotype. Identifiers: MedGen CN230736.
Noonan syndrome 9 (NS9). Identifiers: Orphanet 648, MedGen C4225282, MONDO:0014691, OMIM 616559.

Allele frequency attached by ClinVar (database versions not stated): gnomAD exomes below 0.00001.
gnomAD v4.1: 2 of 1,614,040 alleles (0.00012%); highest among the groups gnomAD compares: Non-Finnish European, 0.00017%; no homozygotes.

Submissions (5):

Ambry Genetics
Classification: Uncertain significance for Cardiovascular phenotype. Last evaluated: 2024-04-13. Review status: criteria provided, single submitter. Criteria: Ambry Variant Classification Scheme 2023. Collection method: clinical testing. Allele origin: germline.
Comment: The p.P1323L variant (also known as c.3968C>T), located in coding exon 23 of the SOS2 gene, results from a C to T substitution at nucleotide position 3968. The proline at codon 1323 is replaced by leucine, an amino acid with similar properties. This amino acid position is conserved. In addition, the in silico prediction for this alteration is inconclusive. Based on the available evidence, the clinical significance of this variant remains unclear.

Labcorp Genetics (formerly Invitae), Labcorp
Classification: Uncertain significance for Noonan syndrome 9. Last evaluated: 2023-08-16. Review status: criteria provided, single submitter. Criteria: Invitae Variant Classification Sherloc (09022015). Collection method: clinical testing. Allele origin: germline.
Comment: In summary, the available evidence is currently insufficient to determine the role of this variant in disease. Therefore, it has been classified as a Variant of Uncertain Significance. Advanced modeling of protein sequence and biophysical properties (such as structural, functional, and spatial information, amino acid conservation, physicochemical variation, residue mobility, and thermodynamic stability) performed at Invitae indicates that this missense variant is not expected to disrupt SOS2 protein function. ClinVar contains an entry for this variant (Variation ID: 280784). This variant has not been reported in the literature in individuals affected with SOS2-related conditions. This variant is not present in population databases (gnomAD no frequency). This sequence change replaces proline, which is neutral and non-polar, with leucine, which is neutral and non-polar, at codon 1323 of the SOS2 protein (p.Pro1323Leu).

Blueprint Genetics
Classification: Uncertain significance. Last evaluated: 2022-05-14. Review status: criteria provided, single submitter. Criteria: ACMG Guidelines, 2015. Collection method: clinical testing. Allele origin: germline.

GeneDx
Classification: Uncertain significance. Last evaluated: 2018-08-31. Review status: criteria provided, single submitter. Criteria: GeneDx Variant Classification (06012015). Collection method: clinical testing. Allele origin: germline. Affected: yes.
Comment: The P1323L variant in the SOS2 gene has not been reported previously as a pathogenic variant, nor as a benign variant, to our knowledge. This variant was not observed in approximately 6500 individuals of European and African American ancestry in the NHLBI Exome Sequencing Project, indicating it is not a common benign variant in these populations. The P1323L variant is a semi-conservative amino acid substitution, which may impact secondary protein structure as these residues differ in some properties. This substitution occurs at a position that is not conserved. In silico analysis is inconsistent in its predictions as to whether or not the variant is damaging to the protein structure/function. We interpret P1323L as a variant of uncertain significance

Genome-Nilou Lab
Classification: Uncertain significance for Noonan syndrome 9. Review status: criteria provided, single submitter. Criteria: ACMG Guidelines, 2015. Collection method: clinical testing. Allele origin: germline.